The following is an entry in ClinVar:

ClinVar aggregate classification (germline): Pathogenic (0 of 4 stars; one submission).

Conditions:
Hereditary breast ovarian cancer syndrome. Also called: Breast and ovarian cancer; Hereditary breast and ovarian cancer syndrome; Hereditary breast and ovarian cancer; Hereditary breast and ovarian cancer syndrome (HBOC); Hereditary breast and/or ovarian cancer syndrome; BRCA1- and BRCA2-Associated Hereditary Breast and Ovarian Cancer. Identifiers: Orphanet 145, MedGen C0677776, MeSH D061325, MONDO:0003582. Disease mechanism: loss of function.

Submission:

Lab of Molecular Oncology, Sapienza University of Rome
Classification: Pathogenic for Hereditary breast and ovarian cancer syndrome. Last evaluated: 2018-05-15. Review status: no assertion criteria provided. Collection method: clinical testing. Allele origin: de novo. Inheritance: Autosomal dominant inheritance. Affected: yes. Observed: 1 heterozygote.
Comment: The novel BRCA1 NG_005905.2: g.145185_151339del6155 LGR is responsible of 6155 nucleotides deletion, encompassing part of IVS15, exons 16-17 and IVS17. It originated from an erroneous homologous recombination process between an AluSp (Alu family, SINE class; chr17:41224585-41224884) and an AluSg (Alu family, SINE class; hr17:41218424-41218724) motifs.

Literature cited by the submitters: DOI 10.7717/peerj.7972.

NM_007294.4(BRCA1):c.4675+1532_5074+963del

Gene: BRCA1 (BRCA1 DNA repair associated; minus strand). Cytogenetic location: 17q21.31.
Variant type: Deletion.
Coding change: c.4675+1532_5074+963del on transcript NM_007294.4 (MANE Select); 1532 bases into the intron after coding-DNA position 4675 through 963 bases into the intron after coding-DNA position 5074, 6,155 bases deleted.
Molecular consequence: splice acceptor variant, splice donor variant. On other transcripts: intron variant (1).
Genome position (GRCh38, 1-based): chr17:43,066,645-43,072,799, 6,155 bases deleted. GRCh37 (hg19): chr17:41,218,678-41,224,832.
Other names: c.1222+1532_1621+963del (NM_001408458.1, NM_001408461.1, NM_001408464.1 and 7 more transcripts); c.3784+1532_4183+963del (NM_001407967.1); c.4294+1532_4693+963del (NM_001407959.1); c.4408+1532_4807+963del (NM_001407931.1, NM_001407932.1, NM_001407928.1 and 4 more transcripts); c.4531+1532_4930+963del (NM_001407747.1, NM_001407745.1, NM_001407737.1 and 21 more transcripts); c.4291+1532_4690+963del (NM_001407962.1, NM_001407960.1); c.862+1532_1261+963del (NM_001408512.1); c.985+1532_1384+963del (NM_001408510.1); and 71 more.
Identifiers: ClinVar variation 598935 (VCV000598935.6), ClinGen allele CA913190336.